The following is an entry in ClinVar:

ClinVar aggregate classification (germline): Uncertain significance. Review status: criteria provided, multiple submitters, no conflicts (2 of 4 stars). 3 submissions from 3 submitters: Uncertain significance (2). 1 of the submissions does not count toward it. Last evaluated 2024-07-22.

Conditions:
Inborn genetic diseases. Identifiers: MedGen C0950123, MeSH D030342.
Ornithine aminotransferase deficiency (GACR). Also called: OAT DEFICIENCY; OKT DEFICIENCY; Ornithine ketoacid aminotransferase deficiency; Gyrate atrophy; Gyrate atrophy of choroid and retina; Girate atrophy of the retina. Identifiers: Orphanet 414, MedGen C0018425, MONDO:0009796, OMIM 258870.

Allele frequency attached by ClinVar (database versions not stated): gnomAD exomes below 0.00001 and 0.00001; gnomAD 0.00001; TOPMed 0.00006.
gnomAD v4.1: 7 of 1,614,126 alleles (0.00043%); highest among the groups gnomAD compares: Admixed American, 0.0033%; no homozygotes.

Submissions (3):

Ambry Genetics
Classification: Uncertain significance for Inborn genetic diseases. Last evaluated: 2024-07-22. Review status: criteria provided, single submitter. Criteria: Ambry Variant Classification Scheme 2023. Collection method: clinical testing. Allele origin: germline.

Labcorp Genetics (formerly Invitae), Labcorp
Classification: Uncertain significance for Ornithine aminotransferase deficiency. Last evaluated: 2022-08-07. Review status: criteria provided, single submitter. Criteria: Invitae Variant Classification Sherloc (09022015). Collection method: clinical testing. Allele origin: germline.
Comment: This sequence change replaces tyrosine, which is neutral and polar, with cysteine, which is neutral and slightly polar, at codon 50 of the OAT protein (p.Tyr50Cys). This variant is present in population databases (no rsID available, gnomAD 0.007%). This variant has not been reported in the literature in individuals affected with OAT-related conditions. ClinVar contains an entry for this variant (Variation ID: 991861). Algorithms developed to predict the effect of missense changes on protein structure and function (SIFT, PolyPhen-2, Align-GVGD) all suggest that this variant is likely to be disruptive. In summary, the available evidence is currently insufficient to determine the role of this variant in disease. Therefore, it has been classified as a Variant of Uncertain Significance.

Natera, Inc.
Classification: Uncertain significance for Gyrate atrophy. Last evaluated: 2020-04-11. Review status: no assertion criteria provided. Collection method: clinical testing. Allele origin: germline. Not counted in ClinVar's aggregate classification.

NM_000274.4(OAT):c.149A>G (p.Tyr50Cys)

Gene: OAT (ornithine aminotransferase; minus strand). Cytogenetic location: 10q26.13.
Variant type: single nucleotide variant.
Coding change: c.149A>G on transcript NM_000274.4 (MANE Select); coding-DNA position 149, A replaced by G.
Protein change: p.Tyr50Cys; replaces tyrosine 50 with cysteine.
Molecular consequence: missense variant. On other transcripts: intron variant (2).
Genome position (GRCh38, 1-based): chr10:124,412,023, T>C on the plus strand (A>G on the coding strand, the complement: OAT is on the minus strand). VCF-style: chr10-124412023-T-C. GRCh37 (hg19) VCF-style: chr10-126100592-T-C.
Other names: c.149A>G, p.Tyr50Cys (NM_001322965.2, NM_001322966.2, NM_001322967.2 and 4 more transcripts); c.-215-3058A>G (NM_001171814.2); c.-515-3058A>G (NM_001322974.2); c.149A>G (NM_000274.3); short protein forms Y50C.
Identifiers: ClinVar variation 991861 (VCV000991861.4), dbSNP rs936463102, ClinGen allele CA215257048.